The following is an entry in ClinVar:

NM_000548.5(TSC2):c.3520_3521insAA (p.Arg1174fs)

Gene: TSC2 (TSC complex subunit 2; plus strand). Cytogenetic location: 16p13.3.
Variant type: Insertion.
Coding change: c.3520_3521insAA on transcript NM_000548.5 (MANE Select); coding-DNA positions 3520 to 3521, AA inserted.
Protein change: p.Arg1174fs; shifts the reading frame from arginine 1174.
Molecular consequence: frameshift variant. On other transcripts: non-coding transcript variant (5).
Genome position: GRCh38 VCF-style: chr16-2080287-C-CAA. GRCh37 (hg19) VCF-style: chr16-2130288-C-CAA.
Other names: c.3388_3389insAA, p.Arg1130fs (NM_001077183.3, NM_001370404.1, NM_001406665.1); c.3520_3521insAA, p.Arg1174fs (NM_001114382.3); c.3280_3281insAA, p.Arg1094fs (NM_001318827.2); c.3244_3245insAA, p.Arg1082fs (NM_001318829.2); c.2788_2789insAA, p.Arg930fs (NM_001318831.2, NM_001406687.1, NM_001406688.1); c.3421_3422insAA, p.Arg1141fs (NM_001318832.2); c.3391_3392insAA, p.Arg1131fs (NM_001363528.2, NM_001370405.1, NM_021055.3); c.3517_3518insAA, p.Arg1173fs (NM_001406663.1, NM_001406664.1); and 18 more; short protein forms R1081fs, R1082fs, R1093fs, R1094fs, R1111fs, R1124fs, R1125fs, R1126fs.
Identifiers: ClinVar variation 4875320 (VCV004875320.2).

ClinVar aggregate classification (germline): Pathogenic (1 of 4 stars; one submission).

Submission:

CeGaT Center for Human Genetics Tuebingen
Classification: Pathogenic. Last evaluated: 2026-06-01. Review status: criteria provided, single submitter. Criteria: CeGaT Center For Human Genetics Tuebingen Variant Classification Criteria Version 2. Collection method: clinical testing. Allele origin: germline. Affected: yes. Observed: 1 variant allele.
Comment: TSC2: PVS1, PM2